The following is an entry in ClinVar:

ClinVar aggregate classification (germline): Likely pathogenic. Review status: criteria provided, multiple submitters, no conflicts (2 of 4 stars). 3 submissions from 3 submitters: Likely pathogenic (2). 1 of the submissions does not count toward it. Last evaluated 2025-04-15.

Conditions:
GNE myopathy (NM). Also called: IBM 2; Inclusion body myopathy autosomal recessive; Inclusion body myopathy quadriceps sparing; NONAKA DISTAL MYOPATHY; INCLUSION BODY MYOPATHY, HEREDITARY, AUTOSOMAL RECESSIVE; INCLUSION BODY MYOPATHY 2, AUTOSOMAL RECESSIVE. Identifiers: Orphanet 602, MedGen C1853926, MONDO:0011603, OMIM 605820.

Allele frequency attached by ClinVar (database versions not stated): gnomAD exomes below 0.00001.
gnomAD v4.1: 2 of 1,598,978 alleles (0.00013%); highest among the groups gnomAD compares: East Asian, 0.0022%; no homozygotes.

Submissions (3):

Natera, Inc.
Classification: Likely pathogenic for Nonaka myopathy. Last evaluated: 2025-04-15. Review status: criteria provided, single submitter. Criteria: Natera Variant Classification Schema (03/2026). Collection method: clinical testing. Allele origin: germline.
Comment: The c.1150A>G variant in GNE is a missense variant predicted to cause substitution of lysine to glutamic acid at amino acid 384. This variant is rare in the general population with a frequency below the threshold expected for the associated phenotype(s). This variant has been observed in one or more individuals affected with the associated recessive disease, as either homozygous or compound heterozygous with a second variant (PMID: 30390020, 24707269, 39332896). Given the available evidence, this variant is classified as Likely Pathogenic.

Juno Genomics, Hangzhou Juno Genomics, Inc
Classification: Likely pathogenic for GNE myopathy. Review status: criteria provided, single submitter. Criteria: ACMG Guidelines, 2015. Collection method: clinical testing. Allele origin: germline. Affected: yes.
Comment: Absent from controls (or at extremely low frequency if recessive) in Genome Aggregation Database, Exome Sequencing Project, 1000 Genomes Project, or Exome Aggregation Consortium.;Multiple lines of computational evidence support a deleterious effect on the gene or gene product (conservation, evolutionary, splicing impact, etc).;For recessive disorders, detected in trans with a pathogenic variant.;Patient's phenotype or family history is highly specific for a disease with a single genetic etiology.

Counsyl
Classification: Uncertain significance for GNE myopathy. Last evaluated: 2017-08-28. Review status: no assertion criteria provided. Collection method: clinical testing. Allele origin: unknown. Not counted in ClinVar's aggregate classification.

Literature cited by the submitters: PubMed 30390020 (cited by Natera, Inc.); PubMed 24707269 (cited by Natera, Inc. and Counsyl); PubMed 39332896 (cited by Natera, Inc.).

NM_005476.7(GNE):c.1057A>G (p.Lys353Glu)

Gene: GNE (glucosamine (UDP-N-acetyl)-2-epimerase/N-acetylmannosamine kinase; minus strand). Cytogenetic location: 9p13.3.
Variant type: single nucleotide variant.
Coding change: c.1057A>G on transcript NM_005476.7 (MANE Select); coding-DNA position 1057, A replaced by G.
Protein change: p.Lys353Glu; replaces lysine 353 with glutamic acid.
Molecular consequence: missense variant.
Genome position (GRCh38, 1-based): chr9:36,229,034, T>C on the plus strand (A>G on the coding strand, the complement: GNE is on the minus strand). VCF-style: chr9-36229034-T-C. GRCh37 (hg19) VCF-style: chr9-36229031-T-C.
Other names: c.1150A>G, p.Lys384Glu (NM_001128227.3); c.1057A>G, p.Lys353Glu (NM_001190383.3); c.727A>G, p.Lys243Glu (NM_001190384.3); c.880A>G, p.Lys294Glu (NM_001190388.2, NM_001374798.1); c.904A>G, p.Lys302Glu (NM_001374797.1); short protein forms K384E, K353E, K243E, K302E, K294E.
Identifiers: ClinVar variation 553464 (VCV000553464.5), dbSNP rs1554660090, ClinGen allele CA373429912.
Genomic context (GRCh38, chr9:36,229,034, plus strand): 5'-GGTAGCTCCCCTTTTAAATCACTCAACAAAGAATGTTTTATACTCACCAAGGGTACTGTT[T>C]ACCAAACTGAAGGTGCAGTGCTTGCAATATTTTGTCTTGGGTGTCAGCATCCCGGACATG-3'
Protein context (NP_005467.1, residues 343-363): ILQALHLQFG[Lys353Glu]QYPCSKIYGD